The following is an entry in ClinVar:

ClinVar aggregate classification (germline): Uncertain significance. Review status: criteria provided, multiple submitters, no conflicts (2 of 4 stars). 2 submissions from 2 submitters: Uncertain significance (2). Last evaluated 2024-05-21.

Conditions:
Inborn genetic diseases. Identifiers: MedGen C0950123, MeSH D030342.

gnomAD v4.1: 2 of 1,612,226 alleles (0.00012%); highest among the groups gnomAD compares: Non-Finnish European, 0.00017%; no homozygotes.

Submissions (2):

Ambry Genetics
Classification: Uncertain significance for Inborn genetic diseases. Last evaluated: 2024-05-21. Review status: criteria provided, single submitter. Criteria: Ambry Variant Classification Scheme 2023. Collection method: clinical testing. Allele origin: germline.

Labcorp Genetics (formerly Invitae), Labcorp
Classification: Uncertain significance. Last evaluated: 2021-05-28. Review status: criteria provided, single submitter. Criteria: Invitae Variant Classification Sherloc (09022015). Collection method: clinical testing. Allele origin: germline.
Comment: In summary, the available evidence is currently insufficient to determine the role of this variant in disease. Therefore, it has been classified as a Variant of Uncertain Significance. Algorithms developed to predict the effect of missense changes on protein structure and function are either unavailable or do not agree on the potential impact of this missense change (SIFT: "Deleterious"; PolyPhen-2: "Possibly Damaging"; Align-GVGD: "Class C0"). This variant has not been reported in the literature in individuals with TNNT3-related conditions. This variant is not present in population databases (ExAC no frequency). This sequence change replaces arginine with serine at codon 117 of the TNNT3 protein (p.Arg117Ser). The arginine residue is highly conserved and there is a moderate physicochemical difference between arginine and serine.

NM_006757.4(TNNT3):c.349C>A (p.Arg117Ser)

Gene: TNNT3 (troponin T3, fast skeletal type; plus strand). Cytogenetic location: 11p15.5.
Variant type: single nucleotide variant.
Coding change: c.349C>A on transcript NM_006757.4 (MANE Select); coding-DNA position 349, C replaced by A.
Protein change: p.Arg117Ser; replaces arginine 117 with serine.
Molecular consequence: missense variant.
Genome position (GRCh38, 1-based): chr11:1,933,991, C>A. VCF-style: chr11-1933991-C-A. GRCh37 (hg19) VCF-style: chr11-1955221-C-A.
Other names: c.349C>A (NM_006757.3); c.325C>A, p.Arg109Ser (NM_001042780.3, NM_001042782.3, NM_001297646.2 and 2 more transcripts); c.343C>A, p.Arg115Ser (NM_001042781.3, NM_001367842.1, NM_001367843.1); c.358C>A, p.Arg120Ser (NM_001363561.2, NM_001367847.1); c.382C>A, p.Arg128Ser (NM_001367846.1); c.346C>A, p.Arg116Ser (NM_001367848.1); c.337C>A, p.Arg113Ser (NM_001367849.1); c.292C>A, p.Arg98Ser (NM_001367850.1); and 1 more; short protein forms R109S, R49S, R117S, R120S, R128S, R98S, R113S, R115S.
Identifiers: ClinVar variation 1361534 (VCV001361534.9), dbSNP rs147447477, ClinGen allele CA379097066.